The following is an entry in ClinVar:

NM_001122659.3(EDNRB):c.1138T>C (p.Cys380Arg)

Genes: EDNRB-AS1 (EDNRB antisense RNA 1; plus strand), EDNRB (endothelin receptor type B; minus strand). Cytogenetic location: 13q22.3.
Variant type: single nucleotide variant.
Coding change: c.1138T>C on transcript NM_001122659.3 (MANE Select); coding-DNA position 1138, T replaced by C.
Protein change: p.Cys380Arg; replaces cysteine 380 with arginine.
Molecular consequence: missense variant.
Genome position (GRCh38, 1-based): chr13:77,899,915, A>G on the plus strand (T>C on the coding strand, the complement: EDNRB is on the minus strand). VCF-style: chr13-77899915-A-G. GRCh37 (hg19) VCF-style: chr13-78474050-A-G.
Other names: c.1138T>C, p.Cys380Arg (NM_000115.5, NM_003991.4); c.1408T>C, p.Cys470Arg (NM_001201397.2); short protein forms C380R, C470R.
Identifiers: ClinVar variation 3048081 (VCV003048081.2), dbSNP rs2501526289, ClinGen allele CA388451125.
Genomic context (GRCh38, chr13:77,899,915, plus strand): 5'-TTACCTTAAAGCAGTTTTTGAATCTTTTGCTCACCAAATACAGAGCAATTGGGTTAATGC[A>G]GGAATTCAGTGAAGCCATGTTGATACCAATATAGTCCAATACCAACAGAAAGCTGCAACA-3'
Protein context (NP_001116131.1, residues 370-390): IGINMASLNS[Cys380Arg]INPIALYLVS

ClinVar aggregate classification (germline): Uncertain significance (0 of 4 stars; one submission).

Conditions:
EDNRB-related disorder. Also called: EDNRB-related disorders; EDNRB-related condition.

Submission:

PreventionGenetics, part of Exact Sciences
Classification: Uncertain significance for EDNRB-related condition. Last evaluated: 2023-12-01. Review status: no assertion criteria provided. Collection method: clinical testing. Allele origin: germline.
Comment: The EDNRB c.1138T>C variant is predicted to result in the amino acid substitution p.Cys380Arg. To our knowledge, this variant has not been reported in the literature or in a large population database, indicating this variant is rare. At this time, the clinical significance of this variant is uncertain due to the absence of conclusive functional and genetic evidence.